The following is an entry in ClinVar:

NC_000009.11:g.(?_26905509)_(27573526_?)dup

Genes: C9orf72 (C9orf72-SMCR8 complex subunit; minus strand), EQTN (equatorin; minus strand), IFT74 (intraflagellar transport 74; plus strand), LRRC19 (leucine rich repeat containing 19; minus strand), MOB3B (MOB kinase activator 3B; minus strand) and 2 more. Cytogenetic location: 9p21.2.
Variant type: Duplication.
Identifiers: ClinVar variation 1410015 (VCV001410015.2).

ClinVar aggregate classification (germline): Uncertain significance (1 of 4 stars; one submission).

Submission:

Labcorp Genetics (formerly Invitae), Labcorp
Classification: Uncertain significance. Last evaluated: 2022-08-03. Review status: criteria provided, single submitter. Criteria: Invitae Variant Classification Sherloc (09022015). Collection method: clinical testing. Allele origin: germline.
Comment: A copy number gain of the genomic region encompassing the full coding sequence of the IFT74 gene has been identified. The boundaries of this event are unknown as they extend beyond the assayed region for this gene and therefore may encompass additional genes. As the precise location of this event is unknown, it may be in tandem or it may be located elsewhere in the genome. This variant has not been reported in the literature in individuals affected with IFT74-related conditions. In summary, the available evidence is currently insufficient to determine the role of this variant in disease. Therefore, it has been classified as a Variant of Uncertain Significance.